The following is an entry in ClinVar:

NM_005535.3(IL12RB1):c.764G>A (p.Arg255Gln)

Gene: IL12RB1 (interleukin 12 receptor subunit beta 1; minus strand). Cytogenetic location: 19p13.11.
Variant type: single nucleotide variant.
Coding change: c.764G>A on transcript NM_005535.3 (MANE Select); coding-DNA position 764, G replaced by A.
Protein change: p.Arg255Gln; replaces arginine 255 with glutamine.
Molecular consequence: missense variant.
Genome position (GRCh38, 1-based): chr19:18,073,536, C>T on the plus strand (G>A on the coding strand, the complement: IL12RB1 is on the minus strand). VCF-style: chr19-18073536-C-T. GRCh37 (hg19) VCF-style: chr19-18184346-C-T.
Other names: c.764G>A, p.Arg255Gln (NM_001290023.2, NM_153701.3); c.884G>A, p.Arg295Gln (NM_001290024.2); short protein forms R295Q, R255Q.
Identifiers: ClinVar variation 2159425 (VCV002159425.4), dbSNP rs758076267, ClinGen allele CA9305083.

ClinVar aggregate classification (germline): Uncertain significance (1 of 4 stars; one submission).

Conditions:
Mendelian susceptibility to mycobacterial diseases due to complete IL12RB1 deficiency. Also called: Immunodeficiency 30; IL12RB1 DEFICIENCY. Identifiers: Orphanet 319552, MedGen C4013949, MONDO:0013955, OMIM 614891.

Allele frequency attached by ClinVar (database versions not stated): gnomAD exomes below 0.00001; ExAC 0.00001; TOPMed 0.00001.
gnomAD v4.1: 3 of 1,610,752 alleles (0.00019%); highest among the groups gnomAD compares: East Asian, 0.0022%; no homozygotes.

Submission:

Labcorp Genetics (formerly Invitae), Labcorp
Classification: Uncertain significance for Mendelian susceptibility to mycobacterial diseases due to complete IL12RB1 deficiency. Last evaluated: 2022-06-15. Review status: criteria provided, single submitter. Criteria: Invitae Variant Classification Sherloc (09022015). Collection method: clinical testing. Allele origin: germline.
Comment: This variant is present in population databases (rs758076267, gnomAD 0.0009%). This sequence change replaces arginine, which is basic and polar, with glutamine, which is neutral and polar, at codon 255 of the IL12RB1 protein (p.Arg255Gln). In summary, the available evidence is currently insufficient to determine the role of this variant in disease. Therefore, it has been classified as a Variant of Uncertain Significance. Algorithms developed to predict the effect of missense changes on protein structure and function output the following: SIFT: "Tolerated"; PolyPhen-2: "Benign"; Align-GVGD: "Class C0". The glutamine amino acid residue is found in multiple mammalian species, which suggests that this missense change does not adversely affect protein function. This variant has not been reported in the literature in individuals affected with IL12RB1-related conditions.